The following is an entry in ClinVar:

NM_005245.4(FAT1):c.11317C>T (p.Arg3773Cys)

Genes: FAT1 (FAT atypical cadherin 1; minus strand), LOC126807254 (BRD4-independent group 4 enhancer GRCh37_chr4:187524269-187525468; plus strand). Cytogenetic location: 4q35.2.
Variant type: single nucleotide variant.
Coding change: c.11317C>T on transcript NM_005245.4 (MANE Select); coding-DNA position 11317, C replaced by T.
Protein change: p.Arg3773Cys; replaces arginine 3773 with cysteine.
Molecular consequence: missense variant.
Genome position (GRCh38, 1-based): chr4:186,603,209, G>A on the plus strand (C>T on the coding strand, the complement: FAT1 is on the minus strand). VCF-style: chr4-186603209-G-A. GRCh37 (hg19) VCF-style: chr4-187524363-G-A.
Other names: c.11317C>T, p.Arg3773Cys (NM_001440455.1, NM_001440456.1, NM_001440457.1); short protein forms R3773C.
Identifiers: ClinVar variation 4255016 (VCV004255016.2).

ClinVar aggregate classification (germline): Uncertain significance. Review status: criteria provided, multiple submitters, no conflicts (2 of 4 stars). 2 submissions from 2 submitters: Uncertain significance (2). Last evaluated 2025-07-08.

Conditions:
FAT1-related disorder. Also called: FAT1-related condition.
Inborn genetic diseases. Identifiers: MedGen C0950123, MeSH D030342.

gnomAD v4.1: 29 of 1,613,480 alleles (0.0018%); highest among the groups gnomAD compares: Middle Eastern, 0.033%; no homozygotes.

Submissions (2):

Ambry Genetics
Classification: Uncertain significance for Inborn genetic diseases. Last evaluated: 2025-07-08. Review status: criteria provided, single submitter. Criteria: Ambry Variant Classification Scheme 2023. Collection method: clinical testing. Allele origin: germline.

PreventionGenetics, part of Exact Sciences
Classification: Uncertain significance for FAT1-related condition. Last evaluated: 2024-10-18. Review status: criteria provided, single submitter. Criteria: ACMG Guidelines, 2015. Collection method: clinical testing. Allele origin: germline.
Comment: The FAT1 c.11317C>T variant is predicted to result in the amino acid substitution p.Arg3773Cys. To our knowledge, this variant has not been reported in the literature. This variant is reported in 0.0098% of alleles in individuals of South Asian descent in gnomAD. At this time, the clinical significance of this variant is uncertain due to the absence of conclusive functional and genetic evidence.